The following is an entry in ClinVar:

NM_006947.4(SRP72):c.1064C>T (p.Thr355Ile)

Gene: SRP72 (signal recognition particle 72; plus strand). Cytogenetic location: 4q12.
Variant type: single nucleotide variant.
Coding change: c.1064C>T on transcript NM_006947.4 (MANE Select); coding-DNA position 1064, C replaced by T.
Protein change: p.Thr355Ile; replaces threonine 355 with isoleucine.
Molecular consequence: missense variant. On other transcripts: non-coding transcript variant (1).
Genome position (GRCh38, 1-based): chr4:56,484,842, C>T. VCF-style: chr4-56484842-C-T. GRCh37 (hg19) VCF-style: chr4-57351008-C-T.
Other names: c.881C>T, p.Thr294Ile (NM_001267722.2); short protein forms T294I, T355I.
Identifiers: ClinVar variation 4589620 (VCV004589620.1).
Genomic context (GRCh38, chr4:56,484,842, plus strand): 5'-CCGAGCATCTCTTACCTGTGTTAATCCAAGCTGCCCAGCTCTGCCGTGAAAAGCAGCACA[C>T]AAAAGCAATAGAGCTGCTTCAGGTAAAATAATTACTTGAATGAGGTGTCAGACATTTGCA-3'
Protein context (NP_008878.3, residues 345-365): AAQLCREKQH[Thr355Ile]KAIELLQEFS

ClinVar aggregate classification (germline): Uncertain significance (1 of 4 stars; one submission).

gnomAD v4.1: 1 of 1,613,166 alleles (0.000062%); highest among the groups gnomAD compares: Non-Finnish European, 0.000085%; no homozygotes.

Submission:

Ambry Genetics
Classification: Uncertain significance. Last evaluated: 2025-11-05. Review status: criteria provided, single submitter. Criteria: Ambry Variant Classification Scheme 2023. Collection method: clinical testing. Allele origin: germline.
Comment: The p.T355I variant (also known as c.1064C>T), located in coding exon 10 of the SRP72 gene, results from a C to T substitution at nucleotide position 1064. The threonine at codon 355 is replaced by isoleucine, an amino acid with similar properties. This amino acid position is conserved. In addition, this alteration is predicted to be tolerated by in silico analysis. Based on the available evidence, the clinical significance of this variant remains unclear.